The following is an entry in ClinVar:

ClinVar aggregate classification (germline): Uncertain significance (1 of 4 stars; one submission).

Submission:

Women's Health and Genetics/Laboratory Corporation of America, LabCorp
Classification: Uncertain significance. Last evaluated: 2026-04-17. Review status: criteria provided, single submitter. Criteria: LabCorp Variant Classification Summary - May 2015. Collection method: clinical testing. Allele origin: germline.
Comment: Variant summary: GP9 c.115A>G (p.Arg39Gly) results in a non-conservative amino acid change in the encoded protein sequence. Algorithms developed to predict the effect of missense changes on protein structure and function are either unavailable or do not agree on the potential impact of this missense change. The variant was absent in 242976 control chromosomes. The available data on variant occurrences in the general population are insufficient to allow any conclusion about variant significance. c.115A>G has been observed in heterozygous genotype in four individuals affected with Macrothrombocytopenia (Ali_2016). These report(s) do not provide unequivocal conclusions about association of the variant with Bernard Soulier Syndrome. To our knowledge, no experimental evidence demonstrating an impact on protein function has been reported. The following publication have been ascertained in the context of this evaluation (PMID: 27291889). No submitters have cited clinical-significance assessments for this variant to ClinVar. Based on the evidence outlined above, the variant was classified as uncertain significance.

Literature cited by the submitters: PubMed 27291889.

NM_000174.5(GP9):c.115A>G (p.Arg39Gly)

Gene: GP9 (glycoprotein IX platelet; plus strand). Cytogenetic location: 3q21.3.
Variant type: single nucleotide variant.
Coding change: c.115A>G on transcript NM_000174.5 (MANE Select); coding-DNA position 115, A replaced by G.
Protein change: p.Arg39Gly; replaces arginine 39 with glycine.
Molecular consequence: missense variant.
Genome position (GRCh38, 1-based): chr3:129,061,854, A>G. VCF-style: chr3-129061854-A-G. GRCh37 (hg19) VCF-style: chr3-128780697-A-G.
Other names: short protein forms R39G.
Identifiers: ClinVar variation 4848449 (VCV004848449.1).